The following is an entry in ClinVar:

NM_001003800.2(BICD2):c.864T>A (p.Asp288Glu)

Gene: BICD2 (BICD cargo adaptor 2; minus strand). Cytogenetic location: 9q22.31.
Variant type: single nucleotide variant.
Coding change: c.864T>A on transcript NM_001003800.2 (MANE Select); coding-DNA position 864, T replaced by A.
Protein change: p.Asp288Glu; replaces aspartic acid 288 with glutamic acid.
Molecular consequence: missense variant.
Genome position (GRCh38, 1-based): chr9:92,720,498, A>T on the plus strand (T>A on the coding strand, the complement: BICD2 is on the minus strand). VCF-style: chr9-92720498-A-T. GRCh37 (hg19) VCF-style: chr9-95482780-A-T.
Other names: c.864T>A, p.Asp288Glu (NM_015250.4); short protein forms D288E.
Identifiers: ClinVar variation 2858103 (VCV002858103.3), dbSNP rs1213166404, ClinGen allele CA374043206.

ClinVar aggregate classification (germline): Uncertain significance (1 of 4 stars; one submission).

Conditions:
Autosomal dominant childhood-onset proximal spinal muscular atrophy with contractures (SMALED2A). Also called: SPINAL MUSCULAR ATROPHY, LOWER EXTREMITY-PREDOMINANT, 2A, CHILDHOOD ONSET, AUTOSOMAL DOMINANT; Spinal muscular atrophy, lower extremity-predominant, 2A, autosomal dominant. Identifiers: Orphanet 363447, Orphanet 363454, MedGen C4747715, MONDO:0014121, OMIM 615290.

Allele frequency attached by ClinVar (database versions not stated): gnomAD exomes below 0.00001.
gnomAD v4.1: 1 of 1,614,212 alleles (0.000062%); highest among the groups gnomAD compares: Admixed American, 0.0017%; no homozygotes.

Submission:

Labcorp Genetics (formerly Invitae), Labcorp
Classification: Uncertain significance for Autosomal dominant childhood-onset proximal spinal muscular atrophy with contractures. Last evaluated: 2023-04-22. Review status: criteria provided, single submitter. Criteria: Invitae Variant Classification Sherloc (09022015). Collection method: clinical testing. Allele origin: germline.
Comment: In summary, the available evidence is currently insufficient to determine the role of this variant in disease. Therefore, it has been classified as a Variant of Uncertain Significance. Advanced modeling of protein sequence and biophysical properties (such as structural, functional, and spatial information, amino acid conservation, physicochemical variation, residue mobility, and thermodynamic stability) performed at Invitae indicates that this missense variant is not expected to disrupt BICD2 protein function. This variant has not been reported in the literature in individuals affected with BICD2-related conditions. This variant is present in population databases (no rsID available, gnomAD 0.003%). This sequence change replaces aspartic acid, which is acidic and polar, with glutamic acid, which is acidic and polar, at codon 288 of the BICD2 protein (p.Asp288Glu).